The following is an entry in ClinVar:

ClinVar aggregate classification (germline): Uncertain significance (1 of 4 stars; one submission).

gnomAD v4.1: 1 of 1,613,392 alleles (0.000062%); highest among the groups gnomAD compares: Non-Finnish European, 0.000085%; no homozygotes.

Submission:

Labcorp Genetics (formerly Invitae), Labcorp
Classification: Uncertain significance. Last evaluated: 2025-08-01. Review status: criteria provided, single submitter. Criteria: Invitae Variant Classification Sherloc (09022015). Collection method: clinical testing. Allele origin: germline.
Comment: This sequence change affects a donor splice site in intron 28 of the OTOF gene. RNA analysis indicates that disruption of this splice site induces altered splicing and likely results in the gain of 37 amino acid residue(s), but is expected to preserve the integrity of the reading-frame. This variant is not present in population databases (gnomAD no frequency). Disruption of this splice site has been observed in individuals with auditory neuropathy (PMID: 24135434; internal data). This variant is also known as IVS28 + 1G>T. Studies have shown that disruption of this splice site results in the activation of a cryptic splice site in intron 28 (PMID: 24135434). In summary, the available evidence is currently insufficient to determine the role of this variant in disease. Therefore, it has been classified as a Variant of Uncertain Significance.

Literature cited by the submitters: PubMed 24135434.

NM_194248.3(OTOF):c.3570+1G>T

Gene: OTOF (otoferlin; minus strand). Cytogenetic location: 2p23.3.
Variant type: single nucleotide variant.
Coding change: c.3570+1G>T on transcript NM_194248.3 (MANE Select); the canonical splice donor site of the intron after coding-DNA position 3570, G replaced by T.
Molecular consequence: splice donor variant.
Genome position (GRCh38, 1-based): chr2:26,473,405, C>A on the plus strand (G>T on the coding strand, the complement: OTOF is on the minus strand). VCF-style: chr2-26473405-C-A. GRCh37 (hg19) VCF-style: chr2-26696273-C-A.
Other names: c.3570+1G>T (NM_001287489.2); c.1329+1G>T (NM_194323.3, NM_004802.4); c.1500+1G>T (NM_194322.3).
Identifiers: ClinVar variation 4746946 (VCV004746946.1).